The following is an entry in ClinVar:

NM_182915.3(STEAP3):c.1279C>T (p.Arg427Cys)

Gene: STEAP3 (STEAP3 metalloreductase; plus strand). Cytogenetic location: 2q14.2.
Variant type: single nucleotide variant.
Coding change: c.1279C>T on transcript NM_182915.3 (MANE Select); coding-DNA position 1279, C replaced by T.
Protein change: p.Arg427Cys; replaces arginine 427 with cysteine.
Molecular consequence: missense variant. On other transcripts: 3 prime UTR variant (1).
Genome position (GRCh38, 1-based): chr2:119,263,120, C>T. VCF-style: chr2-119263120-C-T. GRCh37 (hg19) VCF-style: chr2-120020696-C-T.
Other names: c.1249C>T, p.Arg417Cys (NM_001008410.2, NM_018234.3); c.*107C>T (NM_138637.3); short protein forms R427C, R417C.
Identifiers: ClinVar variation 4705296 (VCV004705296.1).

ClinVar aggregate classification (germline): Uncertain significance (1 of 4 stars; one submission).

Submission:

Labcorp Genetics (formerly Invitae), Labcorp
Classification: Uncertain significance. Last evaluated: 2025-12-25. Review status: criteria provided, single submitter. Criteria: Invitae Variant Classification Sherloc (09022015). Collection method: clinical testing. Allele origin: germline.
Comment: This sequence change replaces arginine, which is basic and polar, with cysteine, which is neutral and slightly polar, at codon 417 of the STEAP3 protein (p.Arg417Cys). This variant is present in population databases (rs769576483, gnomAD 0.02%). This variant has not been reported in the literature in individuals affected with STEAP3-related conditions. An algorithm developed to predict the effect of missense changes on protein structure and function (PolyPhen-2) suggests that this variant is likely to be disruptive. In summary, the available evidence is currently insufficient to determine the role of this variant in disease. Therefore, it has been classified as a Variant of Uncertain Significance.